The following is an entry in ClinVar:

ClinVar aggregate classification (germline): Uncertain significance. Review status: criteria provided, multiple submitters, no conflicts (2 of 4 stars). 2 submissions from 2 submitters: Uncertain significance (2). Last evaluated 2025-09-25.

Allele frequency attached by ClinVar (database versions not stated): gnomAD exomes 0.00001; TOPMed 0.00001; ExAC 0.00001.
gnomAD v4.1: 13 of 1,608,506 alleles (0.00081%); highest among the groups gnomAD compares: Non-Finnish European, 0.0011%; no homozygotes.

Submissions (2):

Ambry Genetics
Classification: Uncertain significance. Last evaluated: 2025-09-25. Review status: criteria provided, single submitter. Criteria: Ambry Variant Classification Scheme 2023. Collection method: clinical testing. Allele origin: germline.

Labcorp Genetics (formerly Invitae), Labcorp
Classification: Uncertain significance. Last evaluated: 2022-12-30. Review status: criteria provided, single submitter. Criteria: Invitae Variant Classification Sherloc (09022015). Collection method: clinical testing. Allele origin: germline.
Comment: This sequence change replaces arginine, which is basic and polar, with tryptophan, which is neutral and slightly polar, at codon 1803 of the DSCAML1 protein (p.Arg1803Trp). This variant is present in population databases (rs746807553, gnomAD 0.002%). This variant has not been reported in the literature in individuals affected with DSCAML1-related conditions. Algorithms developed to predict the effect of missense changes on protein structure and function are either unavailable or do not agree on the potential impact of this missense change (SIFT: "Deleterious"; PolyPhen-2: "Probably Damaging"; Align-GVGD: "Class C0"). In summary, the available evidence is currently insufficient to determine the role of this variant in disease. Therefore, it has been classified as a Variant of Uncertain Significance.

NM_020693.4(DSCAML1):c.5227C>T (p.Arg1743Trp)

Gene: DSCAML1 (DS cell adhesion molecule like 1; minus strand). Cytogenetic location: 11q23.3.
Variant type: single nucleotide variant.
Coding change: c.5227C>T on transcript NM_020693.4 (MANE Select); coding-DNA position 5227, C replaced by T.
Protein change: p.Arg1743Trp; replaces arginine 1743 with tryptophan.
Molecular consequence: missense variant.
Genome position (GRCh38, 1-based): chr11:117,431,681, G>A on the plus strand (C>T on the coding strand, the complement: DSCAML1 is on the minus strand). VCF-style: chr11-117431681-G-A. GRCh37 (hg19) VCF-style: chr11-117302397-G-A.
Other names: c.5407C>T (NM_020693.2); short protein forms R1743W.
Identifiers: ClinVar variation 2061419 (VCV002061419.7), dbSNP rs746807553, ClinGen allele CA6296124.
Genomic context (GRCh38, chr11:117,431,681, plus strand): 5'-TGAGGGTGCGGGCAGGTGTGGAGGCCTGGCACTTGGTCAGGGTCCACTGGCTTGAGTACC[G>A]GTTCCGGGTGCTGTGGGCTGACTTCACATTCTTCCTGGACACTGGATCTGCACAGACAGA-3'
Protein context (NP_065744.3, residues 1733-1753): NVKSAHSTRN[Arg1743Trp]YSSQWTLTKC